The following is an entry in ClinVar:

NM_000238.4(KCNH2):c.2284C>T (p.His762Tyr)

Gene: KCNH2 (potassium voltage-gated channel subfamily H member 2; minus strand). Cytogenetic location: 7q36.1.
Variant type: single nucleotide variant.
Coding change: c.2284C>T on transcript NM_000238.4 (MANE Select); coding-DNA position 2284, C replaced by T.
Protein change: p.His762Tyr; replaces histidine 762 with tyrosine.
Molecular consequence: missense variant. On other transcripts: non-coding transcript variant (2).
Genome position (GRCh38, 1-based): chr7:150,950,282, G>A on the plus strand (C>T on the coding strand, the complement: KCNH2 is on the minus strand). VCF-style: chr7-150950282-G-A. GRCh37 (hg19) VCF-style: chr7-150647370-G-A.
Other names: c.1264C>T, p.His422Tyr (NM_001204798.2, NM_172057.3); c.1996C>T, p.His666Tyr (NM_001406753.1, NM_001406756.1); c.2107C>T, p.His703Tyr (NM_001406755.1); c.1984C>T, p.His662Tyr (NM_001406757.1); c.2284C>T, p.His762Tyr (NM_172056.3); short protein forms H422Y, H662Y, H666Y, H703Y, H762Y.
Identifiers: ClinVar variation 3386894 (VCV003386894.3).

ClinVar aggregate classification (germline): Uncertain significance. Review status: criteria provided, multiple submitters, no conflicts (2 of 4 stars). 4 submissions from 4 submitters: Uncertain significance (4). Last evaluated 2025-10-27.

Conditions:
Long QT syndrome (LQTS). Identifiers: MedGen C0023976, MeSH D008133, MONDO:0002442. Disease mechanism: loss of function. Inheritance: Various modes of inheritance.
Cardiac arrhythmia. Also called: Cardiac rhythm disease; Arrhythmia. Identifiers: MedGen C0003811, MONDO:0007263, HP:0011675.
Cardiovascular phenotype. Identifiers: MedGen CN230736.

gnomAD v4.1: 27 of 1,613,920 alleles (0.0017%); highest among the groups gnomAD compares: Non-Finnish European, 0.0021%; no homozygotes.

Submissions (4):

Labcorp Genetics (formerly Invitae), Labcorp
Classification: Uncertain significance for Long QT syndrome. Last evaluated: 2025-10-27. Review status: criteria provided, single submitter. Criteria: Invitae Variant Classification Sherloc (09022015). Collection method: clinical testing. Allele origin: germline.
Comment: This sequence change replaces histidine, which is basic and polar, with tyrosine, which is neutral and polar, at codon 762 of the KCNH2 protein (p.His762Tyr). This variant is not present in population databases (gnomAD no frequency). This variant has not been reported in the literature in individuals affected with KCNH2-related conditions. ClinVar contains an entry for this variant (Variation ID: 3386894). An algorithm developed to predict the effect of missense changes on protein structure and function (PolyPhen-2) suggests that this variant is likely to be disruptive. In summary, the available evidence is currently insufficient to determine the role of this variant in disease. Therefore, it has been classified as a Variant of Uncertain Significance.

All of Us Research Program, National Institutes of Health
Classification: Uncertain significance for Long QT syndrome. Last evaluated: 2024-07-20. Review status: criteria provided, single submitter. Criteria: ACMG Guidelines, 2015. Collection method: clinical testing. Allele origin: germline. Inheritance: Autosomal dominant inheritance. Observed: 2 variant alleles, 2 heterozygotes.
Comment: This missense variant replaces histidine with tyrosine at codon 762 of the KCNH2 protein. Computational prediction suggests that this variant may have deleterious impact on protein structure and function (internally defined REVEL score threshold >= 0.7, PMID: 27666373). To our knowledge, functional studies have not been reported for this variant. This variant has not been reported in individuals affected with KCNH2-related disorders in the literature. This variant has not been identified in the general population by the Genome Aggregation Database (gnomAD). The available evidence is insufficient to determine the role of this variant in disease conclusively. Therefore, this variant is classified as a Variant of Uncertain Significance.

This study involves interpretation of variants in research participants for the purpose of population health screening. Participant phenotype was not available at the time of variant classification. Additional details can be found in publication PMID: 35346344, PMCID: PMC8962531

Ambry Genetics
Classification: Uncertain significance for Cardiovascular phenotype. Last evaluated: 2024-07-18. Review status: criteria provided, single submitter. Criteria: Ambry Variant Classification Scheme 2023. Collection method: clinical testing. Allele origin: germline.
Comment: The p.H762Y variant (also known as c.2284C>T), located in coding exon 9 of the KCNH2 gene, results from a C to T substitution at nucleotide position 2284. The histidine at codon 762 is replaced by tyrosine, an amino acid with similar properties. This amino acid position is highly conserved in available vertebrate species. In addition, this alteration is predicted to be deleterious by in silico analysis. Based on the available evidence, the clinical significance of this variant remains unclear.

Color Diagnostics, LLC DBA Color Health
Classification: Uncertain significance for Cardiac arrhythmia. Last evaluated: 2024-07-02. Review status: criteria provided, single submitter. Criteria: ACMG Guidelines, 2015. Collection method: clinical testing. Allele origin: germline.
Comment: This missense variant replaces histidine with tyrosine at codon 762 of the KCNH2 protein. Computational prediction suggests that this variant may have deleterious impact on protein structure and function. To our knowledge, functional studies have not been reported for this variant. This variant has not been reported in individuals affected with KCNH2-related disorders in the literature. This variant has not been identified in the general population by the Genome Aggregation Database (gnomAD). The available evidence is insufficient to determine the role of this variant in disease conclusively. Therefore, this variant is classified as a Variant of Uncertain Significance.